The following is an entry in ClinVar:

ClinVar aggregate classification (germline): Likely benign. Review status: criteria provided, single submitter (1 of 4 stars). 2 submissions from 2 submitters: Likely benign (1). 1 of the submissions does not count toward it. Last evaluated 2021-12-13.

Conditions:
USP9X-related disorder. Also called: USP9X-related condition.
Inborn genetic diseases. Identifiers: MedGen C0950123, MeSH D030342.

Allele frequency attached by ClinVar (database versions not stated): ExAC 0.00005; gnomAD 0.00006; TOPMed 0.00008; gnomAD exomes 0.00011.
gnomAD v4.1: 126 of 1,210,432 alleles (0.01%); highest among the groups gnomAD compares: Non-Finnish European, 0.014%; no homozygotes.

Submissions (2):

Ambry Genetics
Classification: Likely benign for Inborn genetic diseases. Last evaluated: 2021-12-13. Review status: criteria provided, single submitter. Criteria: Ambry Variant Classification Scheme 2023. Collection method: clinical testing. Allele origin: germline.

PreventionGenetics, part of Exact Sciences
Classification: Likely benign for USP9X-related condition. Last evaluated: 2023-05-06. Review status: no assertion criteria provided. Collection method: clinical testing. Allele origin: germline. Not counted in ClinVar's aggregate classification.
Comment: This variant is classified as likely benign based on ACMG/AMP sequence variant interpretation guidelines (Richards et al. 2015 PMID: 25741868, with internal and published modifications).

NM_001039591.3(USP9X):c.6884A>G (p.Asn2295Ser)

Gene: USP9X (ubiquitin specific peptidase 9 X-linked; plus strand). Cytogenetic location: Xp11.4.
Variant type: single nucleotide variant.
Coding change: c.6884A>G on transcript NM_001039591.3 (MANE Select); coding-DNA position 6884, A replaced by G.
Protein change: p.Asn2295Ser; replaces asparagine 2295 with serine.
Molecular consequence: missense variant.
Genome position (GRCh38, 1-based): chrX:41,224,874, A>G. VCF-style: chrX-41224874-A-G. GRCh37 (hg19) VCF-style: chrX-41084127-A-G.
Other names: c.6884A>G, p.Asn2295Ser (NM_001039590.3); c.6899A>G, p.Asn2300Ser (NM_001410748.1, NM_001410749.1); short protein forms N2295S, N2300S.
Identifiers: ClinVar variation 2291862 (VCV002291862.4), dbSNP rs749527422, ClinGen allele CA10389155.
Genomic context (GRCh38, chrX:41,224,874, plus strand): 5'-TGGCAGACATTTTATTTGTGAGAACAAGTTATGTGAAGAAAATCATTGAAGACTGCAGTA[A>G]TTCAGAGGAAACCGTCAAATTGCTTCGTTTTTGCTGCTGGGAGAATCCTCAGTTCTCATC-3'
Protein context (NP_001034680.2, residues 2285-2305): YVKKIIEDCS[Asn2295Ser]SEETVKLLRF